The following is an entry in ClinVar:

ClinVar aggregate classification (germline): Benign. Review status: criteria provided, multiple submitters, no conflicts (2 of 4 stars). 4 submissions from 4 submitters: Benign (3). 1 of the submissions does not count toward it. Last evaluated 2025-07-09.

Conditions:
Hereditary angioedema type 1 (HAE1). Identifiers: Orphanet 100050, Orphanet 100051, Orphanet 91378, MedGen C2717906, MONDO:0015053, OMIM 106100.

Allele frequency attached by ClinVar (database versions not stated): gnomAD 0.00003 and 0.00004; gnomAD exomes 0.00011 and 0.00023; ExAC 0.00020; TOPMed 0.00011; 1000 Genomes Project 30x 0.00016; 1000 Genomes Project 0.00020.
gnomAD v4.1: 147 of 1,498,686 alleles (0.0098%); highest among the groups gnomAD compares: East Asian, 0.4%; no homozygotes.

Submissions (4):

Labcorp Genetics (formerly Invitae), Labcorp
Classification: Benign. Last evaluated: 2025-07-09. Review status: criteria provided, single submitter. Criteria: Invitae Variant Classification Sherloc (09022015). Collection method: clinical testing. Allele origin: germline.

Mendelics
Classification: Benign. Last evaluated: 2022-05-04. Review status: criteria provided, single submitter. Criteria: Mendelics Assertion Criteria 2019. Collection method: clinical testing. Allele origin: germline.

Illumina Laboratory Services, Illumina
Classification: Benign for Hereditary angioedema type 1. Last evaluated: 2018-01-13. Review status: criteria provided, single submitter. Criteria: ICSL Variant Classification Criteria 13 December 2019. Collection method: clinical testing. Allele origin: germline.
Comment: This variant was observed in the ICSL laboratory as part of a predisposition screen in an ostensibly healthy population. It had not been previously curated by ICSL or reported in the Human Gene Mutation Database (HGMD: prior to June 1st, 2018), and was therefore a candidate for classification through an automated scoring system. Utilizing variant allele frequency, disease prevalence and penetrance estimates, and inheritance mode, an automated score was calculated to assess if this variant is too frequent to cause the disease. Based on the score and internal cut-off values, a variant classified as benign is not then subjected to further curation. The score for this variant resulted in a classification of benign for this disease.

UniProtKB/Swiss-Prot
No classification provided. Review status: no classification provided. Collection method: not provided. Allele origin: not provided. Not counted in ClinVar's aggregate classification.

NM_000062.3(SERPING1):c.352A>G (p.Thr118Ala)

Gene: SERPING1 (serpin family G member 1; plus strand). Cytogenetic location: 11q12.1.
Variant type: single nucleotide variant.
Coding change: c.352A>G on transcript NM_000062.3 (MANE Select); coding-DNA position 352, A replaced by G.
Protein change: p.Thr118Ala; replaces threonine 118 with alanine.
Molecular consequence: missense variant.
Genome position (GRCh38, 1-based): chr11:57,600,179, A>G. VCF-style: chr11-57600179-A-G. GRCh37 (hg19) VCF-style: chr11-57367652-A-G.
Other names: c.352A>G, p.Thr118Ala (NM_001032295.2); short protein forms T118A.
Identifiers: ClinVar variation 68250 (VCV000068250.11), dbSNP rs200534715, ClinGen allele CA219261.